The following is an entry in ClinVar:

ClinVar aggregate classification (germline): Benign/Likely benign. Review status: criteria provided, multiple submitters, no conflicts (2 of 4 stars). 3 submissions from 3 submitters: Benign (1); Likely benign (2). Last evaluated 2025-03-27.

Conditions:
Hereditary cancer-predisposing syndrome. Also called: Hereditary Cancer Syndrome; Tumor predisposition; Neoplastic Syndromes, Hereditary; Hereditary neoplastic syndrome. Identifiers: Orphanet 140162, MedGen C0027672, MeSH D009386, MONDO:0015356.
Peutz-Jeghers syndrome (PJS). Also called: Peutz-Jeghers polyposis; Periorificial lentiginosis syndrome; POLYPOSIS, HAMARTOMATOUS INTESTINAL; POLYPS-AND-SPOTS SYNDROME. Identifiers: Orphanet 2869, MedGen C0031269, MeSH D010580, MONDO:0008280, OMIM 175200.

Allele frequency attached by ClinVar (database versions not stated): gnomAD exomes below 0.00001 and 0.00001.

Submissions (3):

Myriad Genetics, Inc.
Classification: Benign for Peutz-Jeghers syndrome. Last evaluated: 2025-03-27. Review status: criteria provided, single submitter. Criteria: Myriad Autosomal Dominant, Autosomal Recessive and X-Linked Classification Criteria (2023). Collection method: clinical testing. Allele origin: unknown.
Comment: This variant is considered benign. This variant is a silent/synonymous amino acid change and it is not expected to impact splicing.

Ambry Genetics
Classification: Likely benign for Hereditary cancer-predisposing syndrome. Last evaluated: 2023-08-30. Review status: criteria provided, single submitter. Criteria: Ambry Variant Classification Scheme 2023. Collection method: clinical testing. Allele origin: germline.

GeneDx
Classification: Likely benign. Last evaluated: 2017-08-17. Review status: criteria provided, single submitter. Criteria: GeneDx Variant Classification (06012015). Collection method: clinical testing. Allele origin: germline. Affected: yes.
Comment: This variant is considered likely benign or benign based on one or more of the following criteria: it is a conservative change, it occurs at a poorly conserved position in the protein, it is predicted to be benign by multiple in silico algorithms, and/or has population frequency not consistent with disease.

NM_000455.5(STK11):c.891G>A (p.Arg297=)

Gene: STK11 (serine/threonine kinase 11; plus strand). Cytogenetic location: 19p13.3.
Variant type: single nucleotide variant.
Coding change: c.891G>A on transcript NM_000455.5 (MANE Select); coding-DNA position 891, G replaced by A.
Protein change: p.Arg297=; no amino-acid change (arginine 297 retained).
Molecular consequence: synonymous variant.
Genome position (GRCh38, 1-based): chr19:1,221,977, G>A. VCF-style: chr19-1221977-G-A. GRCh37 (hg19) VCF-style: chr19-1221976-G-A.
Identifiers: ClinVar variation 511588 (VCV000511588.4), dbSNP rs730881984, ClinGen allele CA504707691.